The following is an entry in ClinVar:

NM_000789.4(ACE):c.1225dup (p.Arg409fs)

Gene: ACE (angiotensin I converting enzyme; plus strand). Cytogenetic location: 17q23.3.
Variant type: Duplication.
Coding change: c.1225dup on transcript NM_000789.4 (MANE Select); coding-DNA position 1225, one base duplicated (C; older notation c.1225dupC).
Protein change: p.Arg409fs; shifts the reading frame from arginine 409.
Molecular consequence: frameshift variant.
Genome position (GRCh38, 1-based): chr17:63,482,572, C duplicated. VCF-style (leftmost placement, unchanged base first): chr17-63482571-G-GC. GRCh37 (hg19) VCF-style: chr17-61559932-G-GC.
Other names: c.658dup, p.Arg220fs (NM_001382700.1); c.373dup, p.Arg125fs (NM_001382701.1); short protein forms R125fs, R220fs, R409fs.
Identifiers: ClinVar variation 2631520 (VCV002631520.1), dbSNP rs2510688530, ClinGen allele CA2695199915.
Genomic context (GRCh38, chr17:63,482,571, plus strand): 5'-GCACCATGAGATGGGCCATATACAGTACTACCTGCAGTACAAGGATCTGCCCGTCTCCCT[G>GC]CGTCGGGGGGCCAACCCCGGCTTCCATGAGGCCATTGGGGACGTGCTGGCGCTCTCGGTC-3'

ClinVar aggregate classification (germline): Likely pathogenic (1 of 4 stars; one submission).

Conditions:
ACE-related disorder. Also called: ACE-related condition; ACE-related disorders.

Submission:

PreventionGenetics, part of Exact Sciences
Classification: Likely pathogenic for ACE-related condition. Last evaluated: 2023-08-03. Review status: criteria provided, single submitter. Criteria: ACMG Guidelines, 2015. Collection method: clinical testing. Allele origin: germline.
Comment: The ACE c.1225dupC variant is predicted to result in a frameshift and premature protein termination (p.Arg409Profs*10). To our knowledge, this variant has not been reported in the literature or in a large population database, indicating this variant is rare. Frameshift variants in ACE are expected to be pathogenic. This variant is interpreted as likely pathogenic.